The following is an entry in ClinVar:

ClinVar aggregate classification (germline): Uncertain significance (1 of 4 stars; one submission).

Conditions:
Hereditary cancer-predisposing syndrome. Also called: Neoplastic Syndromes, Hereditary; Tumor predisposition; Hereditary neoplastic syndrome; Hereditary Cancer Syndrome. Identifiers: Orphanet 140162, MedGen C0027672, MeSH D009386, MONDO:0015356.

Submission:

Ambry Genetics
Classification: Uncertain significance for Hereditary cancer-predisposing syndrome. Last evaluated: 2026-07-07. Review status: criteria provided, single submitter. Criteria: Ambry Variant Classification Scheme 2023. Collection method: clinical testing. Allele origin: germline.
Comment: The p.Q375K variant (also known as c.1123C>A), located in coding exon 9 of the SUFU gene, results from a C to A substitution at nucleotide position 1123. The glutamine at codon 375 is replaced by lysine, an amino acid with similar properties. This amino acid position is conserved. In addition, the in silico prediction for this alteration is inconclusive. Based on the available evidence, the clinical significance of this variant remains unclear.

NM_016169.4(SUFU):c.1123C>A (p.Gln375Lys)

Gene: SUFU (SUFU negative regulator of hedgehog signaling; plus strand). Cytogenetic location: 10q24.32.
Variant type: single nucleotide variant.
Coding change: c.1123C>A on transcript NM_016169.4 (MANE Select); coding-DNA position 1123, C replaced by A.
Protein change: p.Gln375Lys; replaces glutamine 375 with lysine.
Molecular consequence: missense variant.
Genome position (GRCh38, 1-based): chr10:102,615,368, C>A. VCF-style: chr10-102615368-C-A. GRCh37 (hg19) VCF-style: chr10-104375125-C-A.
Other names: c.1123C>A, p.Gln375Lys (NM_001178133.2); short protein forms Q375K.
Identifiers: ClinVar variation 5030426 (VCV005030426.1).